The following is an entry in ClinVar:

ClinVar aggregate classification (germline): Conflicting classifications of pathogenicity. Review status: criteria provided, conflicting classifications (1 of 4 stars). 4 submissions from 4 submitters: Uncertain significance (2); Likely benign (1). 1 of the submissions does not count toward it. Last evaluated 2025-09-24.

Conditions:
Amyotrophic lateral sclerosis type 1 (ALS1). Also called: AMYOTROPHIC LATERAL SCLEROSIS 1, FAMILIAL. Identifiers: Orphanet 803, MedGen C1862939, MONDO:0007103, OMIM 105400.
Perry syndrome. Also called: PARKINSONISM WITH ALVEOLAR HYPOVENTILATION AND MENTAL DEPRESSION. Identifiers: Orphanet 178509, MedGen C1868594, MONDO:0008201, OMIM 168605.
Neuronopathy, distal hereditary motor, type 7B. Also called: Distal Hereditary Motor Neuronopathy Type 7B (dHMN7B); NEURONOPATHY, DISTAL HEREDITARY MOTOR, AUTOSOMAL DOMINANT 14; NEURONOPATHY, DISTAL HEREDITARY MOTOR, HARDING TYPE VIIB; NEUROPATHY, DISTAL HEREDITARY MOTOR, HARDING TYPE VIIB; NEUROPATHY, DISTAL HEREDITARY MOTOR, WITH VOCAL CORD PARALYSIS, HARDING TYPE VIIB; LOWER MOTOR NEURON DISEASE, DYNACTIN TYPE. Identifiers: Orphanet 139589, MedGen C1843315, MONDO:0011879, OMIM 607641.
DCTN1-related disorder. Also called: DCTN1-related condition.

Allele frequency attached by ClinVar (database versions not stated): ExAC 0.00002; TOPMed 0.00002; gnomAD 0.00003 and 0.00004; gnomAD exomes 0.00004.
gnomAD v4.1: 215 of 1,614,118 alleles (0.013%); highest among the groups gnomAD compares: Non-Finnish European, 0.018%; no homozygotes.

Submissions (4):

Mayo Clinic Laboratories, Mayo Clinic
Classification: Likely benign. Last evaluated: 2025-09-24. Review status: criteria provided, single submitter. Criteria: ACMG Guidelines, 2015. Collection method: clinical testing. Allele origin: germline. Observed: 1 variant allele.
Comment: BS2, BP4

Labcorp Genetics (formerly Invitae), Labcorp
Classification: Uncertain significance for Amyotrophic lateral sclerosis type 1; Neuronopathy, distal hereditary motor, type 7B; Perry syndrome. Last evaluated: 2025-05-05. Review status: criteria provided, single submitter. Criteria: Invitae Variant Classification Sherloc (09022015). Collection method: clinical testing. Allele origin: germline.
Comment: This sequence change replaces serine, which is neutral and polar, with cysteine, which is neutral and slightly polar, at codon 883 of the DCTN1 protein (p.Ser883Cys). This variant is present in population databases (rs747769504, gnomAD 0.009%). This variant has not been reported in the literature in individuals affected with DCTN1-related conditions. ClinVar contains an entry for this variant (Variation ID: 422499). Invitae Evidence Modeling of protein sequence and biophysical properties (such as structural, functional, and spatial information, amino acid conservation, physicochemical variation, residue mobility, and thermodynamic stability) indicates that this missense variant is not expected to disrupt DCTN1 protein function with a negative predictive value of 95%. In summary, the available evidence is currently insufficient to determine the role of this variant in disease. Therefore, it has been classified as a Variant of Uncertain Significance.

GeneDx
Classification: Uncertain significance. Last evaluated: 2016-10-21. Review status: criteria provided, single submitter. Criteria: GeneDx Variant Classification (06012015). Collection method: clinical testing. Allele origin: germline. Affected: yes.
Comment: The S883C variant in the DCTN1 gene has not been reported previously as a pathogenic variant, nor as a benign variant, to our knowledge. The S883C variant was not observed in approximately 6500 individuals of European and African American ancestry in the NHLBI Exome Sequencing Project, indicating it is not a common benign variant in these populations. The S883C variant is a non-conservative amino acid substitution, which is likely to impact secondary protein structure as these residues differ in polarity, charge, size and/or other properties. However, this substitution occurs at a position that is not conserved across species., and in silico analysis is inconsistent in its predictions as to whether or not the variant is damaging to the protein structure/function. We interpret S883C as a variant of uncertain significance.

PreventionGenetics, part of Exact Sciences
Classification: Uncertain significance for DCTN1-related condition. Last evaluated: 2024-08-16. Review status: no assertion criteria provided. Collection method: clinical testing. Allele origin: germline. Not counted in ClinVar's aggregate classification.
Comment: The DCTN1 c.2647A>T variant is predicted to result in the amino acid substitution p.Ser883Cys. To our knowledge, this variant has not been reported in the literature. This variant is reported in 0.0077% of alleles in individuals of European (non-Finnish) descent in gnomAD. At this time, the clinical significance of this variant is uncertain due to the absence of conclusive functional and genetic evidence.

NM_004082.5(DCTN1):c.2647A>T (p.Ser883Cys)

Gene: DCTN1 (dynactin subunit 1; minus strand). Cytogenetic location: 2p13.1.
Variant type: single nucleotide variant.
Coding change: c.2647A>T on transcript NM_004082.5 (MANE Select); coding-DNA position 2647, A replaced by T.
Protein change: p.Ser883Cys; replaces serine 883 with cysteine.
Molecular consequence: missense variant. On other transcripts: non-coding transcript variant (1).
Genome position (GRCh38, 1-based): chr2:74,366,357, T>A on the plus strand (A>T on the coding strand, the complement: DCTN1 is on the minus strand). VCF-style: chr2-74366357-T-A. GRCh37 (hg19) VCF-style: chr2-74593484-T-A.
Other names: p.Ser883Cys; c.2587A>T, p.Ser863Cys (NM_001135040.3); c.2245A>T, p.Ser749Cys (NM_001135041.3, NM_023019.4); c.2536A>T, p.Ser846Cys (NM_001190836.2); c.2626A>T, p.Ser876Cys (NM_001190837.2); c.2596A>T, p.Ser866Cys (NM_001378991.1); c.2578A>T, p.Ser860Cys (NM_001378992.1); short protein forms S749C, S846C, S883C, S863C, S876C, S860C, S866C.
Identifiers: ClinVar variation 422499 (VCV000422499.15), dbSNP rs747769504, ClinGen allele CA1721776.
Genomic context (GRCh38, chr2:74,366,357, plus strand): 5'-GCTTGTTCATGGTACTGATGAGGATGTTGCATGACTGGCGCAGACACTCATAGGGGCTGC[T>A]GGAGGGGGTCCCATAGATCTGCAGGAGCCAAGGGCAGAAGTAAAAGCCCCACACTGGTCA-3'
Protein context (NP_004073.2, residues 873-893): ASEQIYGTPS[Ser883Cys]SPYECLRQSC